The following is an entry in ClinVar:

NM_001009999.3(KDM1A):c.200G>T (p.Arg67Leu)

Gene: KDM1A (lysine demethylase 1A; plus strand). Cytogenetic location: 1p36.12.
Variant type: single nucleotide variant.
Coding change: c.200G>T on transcript NM_001009999.3 (MANE Select); coding-DNA position 200, G replaced by T.
Protein change: p.Arg67Leu; replaces arginine 67 with leucine.
Molecular consequence: missense variant.
Genome position (GRCh38, 1-based): chr1:23,019,796, G>T. VCF-style: chr1-23019796-G-T. GRCh37 (hg19) VCF-style: chr1-23346289-G-T.
Other names: c.200G>T, p.Arg67Leu (NM_001363654.2, NM_001410762.1, NM_001410763.1 and 1 more transcripts); short protein forms R67L.
Identifiers: ClinVar variation 3532989 (VCV003532989.1).

ClinVar aggregate classification (germline): Uncertain significance (1 of 4 stars; one submission).

Conditions:
Inborn genetic diseases. Identifiers: MedGen C0950123, MeSH D030342.

gnomAD v4.1: 3 of 1,385,106 alleles (0.00022%); highest among the groups gnomAD compares: Admixed American, 0.012%; no homozygotes.

Submission:

Ambry Genetics
Classification: Uncertain significance for Inborn genetic diseases. Last evaluated: 2024-12-10. Review status: criteria provided, single submitter. Criteria: Ambry Variant Classification Scheme 2023. Collection method: clinical testing. Allele origin: germline.
Comment: The p.R67L variant (also known as c.200G>T), located in coding exon 1 of the KDM1A gene, results from a G to T substitution at nucleotide position 200. The arginine at codon 67 is replaced by leucine, an amino acid with dissimilar properties. This amino acid position is conserved. In addition, this alteration is predicted to be tolerated by in silico analysis. Based on the available evidence, the clinical significance of this variant remains unclear.